The following is an entry in ClinVar:

ClinVar aggregate classification (germline): Uncertain significance. Review status: criteria provided, multiple submitters, no conflicts (2 of 4 stars). 2 submissions from 2 submitters: Uncertain significance (2). Last evaluated 2024-04-06.

Conditions:
Inborn genetic diseases. Identifiers: MedGen C0950123, MeSH D030342.

Allele frequency attached by ClinVar (database versions not stated): gnomAD exomes 0.00001; ExAC 0.00003.

Submissions (2):

Ambry Genetics
Classification: Uncertain significance for Inborn genetic diseases. Last evaluated: 2024-04-06. Review status: criteria provided, single submitter. Criteria: Ambry Variant Classification Scheme 2023. Collection method: clinical testing. Allele origin: germline.

Labcorp Genetics (formerly Invitae), Labcorp
Classification: Uncertain significance. Last evaluated: 2023-08-07. Review status: criteria provided, single submitter. Criteria: Invitae Variant Classification Sherloc (09022015). Collection method: clinical testing. Allele origin: germline.
Comment: ClinVar contains an entry for this variant (Variation ID: 1387776). This sequence change replaces alanine, which is neutral and non-polar, with glutamic acid, which is acidic and polar, at codon 3225 of the DCHS1 protein (p.Ala3225Glu). This variant is present in population databases (rs754635337, gnomAD 0.003%). This variant has not been reported in the literature in individuals affected with DCHS1-related conditions. Advanced modeling of protein sequence and biophysical properties (such as structural, functional, and spatial information, amino acid conservation, physicochemical variation, residue mobility, and thermodynamic stability) performed at Invitae indicates that this missense variant is not expected to disrupt DCHS1 protein function. In summary, the available evidence is currently insufficient to determine the role of this variant in disease. Therefore, it has been classified as a Variant of Uncertain Significance.

NM_003737.4(DCHS1):c.9674C>A (p.Ala3225Glu)

Gene: DCHS1 (dachsous cadherin-related 1; minus strand). Cytogenetic location: 11p15.4.
Variant type: single nucleotide variant.
Coding change: c.9674C>A on transcript NM_003737.4 (MANE Select); coding-DNA position 9674, C replaced by A.
Protein change: p.Ala3225Glu; replaces alanine 3225 with glutamic acid.
Molecular consequence: missense variant.
Genome position (GRCh38, 1-based): chr11:6,622,002, G>T on the plus strand (C>A on the coding strand, the complement: DCHS1 is on the minus strand). VCF-style: chr11-6622002-G-T. GRCh37 (hg19) VCF-style: chr11-6643233-G-T.
Other names: c.9674C>A (NM_003737.2); short protein forms A3225E.
Identifiers: ClinVar variation 1387776 (VCV001387776.7), dbSNP rs754635337, ClinGen allele CA5859203.